The following is an entry in ClinVar:

ClinVar aggregate classification (germline): Pathogenic/Likely pathogenic. Review status: criteria provided, multiple submitters, no conflicts (2 of 4 stars). 6 submissions from 6 submitters: Pathogenic (1); Likely pathogenic (5). Last evaluated 2026-09-16.

Conditions:
Idiopathic basal ganglia calcification 1 (PFBC1A). Also called: PRIMARY FAMILIAL BRAIN CALCIFICATION 1A, AUTOSOMAL DOMINANT; Fahr's syndrome; Cerebral calcification nonarteriosclerotic idiopathic adult-onset; Striopallidodentate calcinosis autosomal dominant adult-onset; Ferrocalcinosis, cerebrovascular; Fahr disease, familial (formerly). Identifiers: Orphanet 1980, MedGen C4551624, MONDO:0024538, OMIM 213600.
SLC20A2-related disorder. Also called: SLC20A2-related condition.

Allele frequency attached by ClinVar (database versions not stated): gnomAD exomes below 0.00001 and 0.00001; ExAC 0.00003.
gnomAD v4.1: 6 of 1,609,068 alleles (0.00037%); highest among the groups gnomAD compares: Admixed American, 0.0017%; no homozygotes.

Submissions (6):

GeneDx
Classification: Likely pathogenic. Last evaluated: 2026-09-16. Review status: criteria provided, single submitter. Criteria: GeneDx Variant Classification Process June 2021. Collection method: clinical testing. Allele origin: germline.
Comment: Published functional studies demonstrate significantly reduced organic phosphate uptake and diminished protein function in culture (PMID: 31618668); Not observed at significant frequency in large population cohorts (gnomAD); In silico analysis supports that this missense variant has a deleterious effect on protein structure/function; This variant is associated with the following publications: (PMID: 30609140, 25212438, 25726928, 33726816, 33452934, 38642488, 31618668, 23334463, 34906475, 35248831, 40947452, 26475232)

Clinical Genetics Laboratory, Region Ostergotland
Classification: Likely pathogenic for Idiopathic basal ganglia calcification 1. Last evaluated: 2024-03-20. Review status: criteria provided, single submitter. Criteria: ACMG Guidelines, 2015. Collection method: clinical testing. Allele origin: germline. Affected: yes.
Comment: PM2, PP3_moderate, PS4

Heterozygous

Blueprint Genetics
Classification: Likely pathogenic for SLC20A2-related disorders. Last evaluated: 2022-11-15. Review status: criteria provided, single submitter. Criteria: ACMG Guidelines, 2015. Collection method: clinical testing. Allele origin: germline. Affected: yes. Observed: 1 variant allele.

Genetics and Molecular Pathology, SA Pathology
Classification: Likely pathogenic for Idiopathic basal ganglia calcification 1. Last evaluated: 2022-10-25. Review status: criteria provided, single submitter. Criteria: ACMG Guidelines, 2015. Collection method: clinical testing. Allele origin: germline. Affected: yes.

Labcorp Genetics (formerly Invitae), Labcorp
Classification: Pathogenic. Last evaluated: 2022-01-28. Review status: criteria provided, single submitter. Criteria: Invitae Variant Classification Sherloc (09022015). Collection method: clinical testing. Allele origin: germline.
Comment: For these reasons, this variant has been classified as Pathogenic. Algorithms developed to predict the effect of missense changes on protein structure and function are either unavailable or do not agree on the potential impact of this missense change (SIFT: "Deleterious"; PolyPhen-2: "Benign"; Align-GVGD: "Class C15"). ClinVar contains an entry for this variant (Variation ID: 1064453). This missense change has been observed in individuals with primary basal ganglia calcification (PMID: 23334463, 26475232, 31618668; Invitae). It has also been observed to segregate with disease in related individuals. This variant is present in population databases (rs763252801, gnomAD 0.003%). This sequence change replaces proline, which is neutral and non-polar, with leucine, which is neutral and non-polar, at codon 568 of the SLC20A2 protein (p.Pro568Leu).

Centre for Inherited Metabolic Diseases, Karolinska University Hospital
Classification: Likely pathogenic for Idiopathic basal ganglia calcification 1. Last evaluated: 2021-04-13. Review status: criteria provided, single submitter. Criteria: ACMG Guidelines, 2015. Collection method: clinical testing. Allele origin: germline. Inheritance: Autosomal dominant inheritance. Affected: yes. Observed: 1 heterozygote.

Literature cited by the submitters: PubMed 23334463 (cited by Labcorp Genetics (formerly Invitae), Labcorp); PubMed 26475232 (cited by Labcorp Genetics (formerly Invitae), Labcorp); PubMed 31618668 (cited by Labcorp Genetics (formerly Invitae), Labcorp).

NM_001257180.2(SLC20A2):c.1703C>T (p.Pro568Leu)

Gene: SLC20A2 (solute carrier family 20 member 2; minus strand). Cytogenetic location: 8p11.21.
Variant type: single nucleotide variant.
Coding change: c.1703C>T on transcript NM_001257180.2 (MANE Select); coding-DNA position 1703, C replaced by T.
Protein change: p.Pro568Leu; replaces proline 568 with leucine.
Molecular consequence: missense variant.
Genome position (GRCh38, 1-based): chr8:42,430,070, G>A on the plus strand (C>T on the coding strand, the complement: SLC20A2 is on the minus strand). VCF-style: chr8-42430070-G-A. GRCh37 (hg19) VCF-style: chr8-42287588-G-A.
Other names: c.1703C>T (NM_006749.4); c.1703C>T, p.Pro568Leu (NM_001257181.2, NM_006749.5); short protein forms P568L.
Identifiers: ClinVar variation 1064453 (VCV001064453.17), dbSNP rs763252801, ClinGen allele CA4733251.